The following is an entry in ClinVar:

NM_174936.4(PCSK9):c.1981G>A (p.Val661Ile)

Gene: PCSK9 (proprotein convertase subtilisin/kexin type 9; plus strand). Cytogenetic location: 1p32.3.
Variant type: single nucleotide variant.
Coding change: c.1981G>A on transcript NM_174936.4 (MANE Select); coding-DNA position 1981, G replaced by A.
Protein change: p.Val661Ile; replaces valine 661 with isoleucine.
Molecular consequence: missense variant.
Genome position (GRCh38, 1-based): chr1:55,063,486, G>A. VCF-style: chr1-55063486-G-A. GRCh37 (hg19) VCF-style: chr1-55529159-G-A.
Other names: c.2104G>A, p.Val702Ile (NM_001407240.1); c.2023G>A, p.Val675Ile (NM_001407241.1); c.1984G>A, p.Val662Ile (NM_001407242.1); c.1924G>A, p.Val642Ile (NM_001407243.1); c.1807G>A, p.Val603Ile (NM_001407244.1); c.1789G>A, p.Val597Ile (NM_001407245.1); c.1606G>A, p.Val536Ile (NM_001407246.1); c.1480G>A, p.Val494Ile (NM_001407247.1); short protein forms V661I, V597I, V603I, V536I, V675I, V494I, V642I, V702I.
Identifiers: ClinVar variation 927113 (VCV000927113.11), dbSNP rs375541628, ClinGen allele CA040138.
Genomic context (GRCh38, chr1:55,063,486, plus strand): 5'-ACCTCCCACGTCCTGGGGGCCTACGCCGTAGACAACACGTGTGTAGTCAGGAGCCGGGAC[G>A]TCAGCACTACAGGCAGCACCAGCGAAGGGGCCGTGACAGCCGTTGCCATCTGCTGCCGGA-3'
Protein context (NP_777596.2, residues 651-671): DNTCVVRSRD[Val661Ile]STTGSTSEGA

ClinVar aggregate classification (germline): Uncertain significance. Review status: criteria provided, multiple submitters, no conflicts (2 of 4 stars). 5 submissions from 5 submitters: Uncertain significance (5). Last evaluated 2025-04-17.

Conditions:
Cardiovascular phenotype. Identifiers: MedGen CN230736.
Familial hypercholesterolemia. Also called: Familial hypercholesterolaemia; Familial hypercholesterolemias. Identifiers: MedGen C0020445, MONDO:0005439.
Hypercholesterolemia, autosomal dominant, 3 (FHCL3). Also called: PCSK9-Related Familial Hypercholesterolemia, Autosomal Dominant; Familial hypercholesterolemia 3; Familial Hypercholesterolemia, Autosomal Dominant, 3. Identifiers: MedGen C1863551, MONDO:0011369, OMIM 603776.

Allele frequency attached by ClinVar (database versions not stated): ExAC 0.00001; TOPMed 0.00001; gnomAD exomes 0.00002; ESP Exome Variant Server 0.00008.
gnomAD v4.1: 21 of 1,613,998 alleles (0.0013%); highest among the groups gnomAD compares: East Asian, 0.0045%; no homozygotes.

Submissions (5):

Ambry Genetics
Classification: Uncertain significance for Cardiovascular phenotype. Last evaluated: 2025-04-17. Review status: criteria provided, single submitter. Criteria: Ambry Variant Classification Scheme 2023. Collection method: clinical testing. Allele origin: germline.

All of Us Research Program, National Institutes of Health
Classification: Uncertain significance for Hypercholesterolemia, autosomal dominant, 3. Last evaluated: 2024-08-06. Review status: criteria provided, single submitter. Criteria: ACMG Guidelines, 2015. Collection method: clinical testing. Allele origin: germline. Inheritance: Autosomal dominant inheritance. Observed: 1 variant allele, 1 heterozygote.
Comment: This missense variant replaces valine with isoleucine at codon 661 of the PCSK9 protein. Computational prediction suggests that this variant may not impact protein structure and function (internally defined REVEL score threshold <= 0.5, PMID: 27666373). Splice site prediction tools suggest that this variant may not impact RNA splicing. To our knowledge, functional studies have not been performed for this variant. This variant has been reported in an individual from a population-based cohort of participants undergoing whole exome sequencing (PMID: 24507775). This variant has been identified in 4/250942 chromosomes in the general population by the Genome Aggregation Database (gnomAD). The available evidence is insufficient to determine the role of this variant in disease conclusively. Therefore, this variant is classified as a Variant of Uncertain Significance.

This study involves interpretation of variants in research participants for the purpose of population health screening. Participant phenotype was not available at the time of variant classification. Additional details can be found in publication PMID: 35346344, PMCID: PMC8962531

Labcorp Genetics (formerly Invitae), Labcorp
Classification: Uncertain significance for Hypercholesterolemia, autosomal dominant, 3. Last evaluated: 2024-01-11. Review status: criteria provided, single submitter. Criteria: Invitae Variant Classification Sherloc (09022015). Collection method: clinical testing. Allele origin: germline.
Comment: This sequence change replaces valine, which is neutral and non-polar, with isoleucine, which is neutral and non-polar, at codon 661 of the PCSK9 protein (p.Val661Ile). This variant is present in population databases (rs375541628, gnomAD 0.007%). This variant has not been reported in the literature in individuals affected with PCSK9-related conditions. ClinVar contains an entry for this variant (Variation ID: 927113). Advanced modeling of protein sequence and biophysical properties (such as structural, functional, and spatial information, amino acid conservation, physicochemical variation, residue mobility, and thermodynamic stability) performed at Invitae indicates that this missense variant is not expected to disrupt PCSK9 protein function with a negative predictive value of 95%. In summary, the available evidence is currently insufficient to determine the role of this variant in disease. Therefore, it has been classified as a Variant of Uncertain Significance.

Fulgent Genetics
Classification: Uncertain significance for Hypercholesterolemia, autosomal dominant, 3. Last evaluated: 2021-07-14. Review status: criteria provided, single submitter. Criteria: ACMG Guidelines, 2015. Collection method: clinical testing. Allele origin: unknown.

Color Diagnostics, LLC DBA Color Health
Classification: Uncertain significance for Familial hypercholesterolemia. Last evaluated: 2019-12-18. Review status: criteria provided, single submitter. Criteria: ACMG Guidelines, 2015. Collection method: clinical testing. Allele origin: germline.
Comment: This missense variant replaces valine with isoleucine at codon 661 of the PCSK9 protein. Computational prediction suggests that this variant may not impact protein structure and function (internally defined REVEL score threshold <= 0.5, PMID: 27666373). Splice site prediction tools suggest that this variant may not impact RNA splicing. To our knowledge, functional studies have not been performed for this variant. This variant has been reported in an individual from a population-based cohort of participants undergoing whole exome sequencing (PMID: 24507775). This variant has been identified in 4/250942 chromosomes in the general population by the Genome Aggregation Database (gnomAD). The available evidence is insufficient to determine the role of this variant in disease conclusively. Therefore, this variant is classified as a Variant of Uncertain Significance.

Literature cited by the submitters: PubMed 24507775 (cited by All of Us Research Program, National Institutes of Health).